The following is an entry in ClinVar:

ClinVar aggregate classification (germline): Pathogenic (1 of 4 stars; one submission).

Conditions:
3-methylglutaconic aciduria with deafness, encephalopathy, and Leigh-like syndrome (MEGDEL). Also called: 3-METHYLGLUTACONIC ACIDURIA, TYPE VI; SERAC1 Deficiency; MEGDEL syndrome. Identifiers: Orphanet 352328, MedGen C4040739, MONDO:0013875, OMIM 614739.

Submission:

Labcorp Genetics (formerly Invitae), Labcorp
Classification: Pathogenic for 3-methylglutaconic aciduria with deafness, encephalopathy, and Leigh-like syndrome. Last evaluated: 2025-03-06. Review status: criteria provided, single submitter. Criteria: Invitae Variant Classification Sherloc (09022015). Collection method: clinical testing. Allele origin: germline.
Comment: This sequence change creates a premature translational stop signal (p.Gln245*) in the SERAC1 gene. It is expected to result in an absent or disrupted protein product. Loss-of-function variants in SERAC1 are known to be pathogenic (PMID: 22683713). This variant is not present in population databases (gnomAD no frequency). This variant has not been reported in the literature in individuals affected with SERAC1-related conditions. For these reasons, this variant has been classified as Pathogenic.

Literature cited by the submitters: PubMed 22683713.

NM_032861.4(SERAC1):c.733C>T (p.Gln245Ter)

Gene: SERAC1 (serine active site containing 1; minus strand). Cytogenetic location: 6q25.3.
Variant type: single nucleotide variant.
Coding change: c.733C>T on transcript NM_032861.4 (MANE Select); coding-DNA position 733, C replaced by T.
Protein change: p.Gln245Ter; replaces glutamine 245 with a stop codon.
Molecular consequence: nonsense. On other transcripts: non-coding transcript variant (1).
Genome position (GRCh38, 1-based): chr6:158,143,061, G>A on the plus strand (C>T on the coding strand, the complement: SERAC1 is on the minus strand). VCF-style: chr6-158143061-G-A. GRCh37 (hg19) VCF-style: chr6-158564093-G-A.
Other names: short protein forms Q245*.
Identifiers: ClinVar variation 4807929 (VCV004807929.1).
Genomic context (GRCh38, chr6:158,143,061, plus strand): 5'-ACATTGGAAAGGGTGGACACTCAAAAATATTTACTGAATGAATACATGAACTAACCTTCT[G>A]AGCAGCTAGACTCTGACTGCTTTCACTAAGAGCCAAAGATGTAAAATACTGGATACACTC-3'